The following is an entry in ClinVar:

NM_004415.4(DSP):c.5269C>T (p.Gln1757Ter)

Gene: DSP (desmoplakin; plus strand). Cytogenetic location: 6p24.3.
Variant type: single nucleotide variant.
Coding change: c.5269C>T on transcript NM_004415.4 (MANE Select); coding-DNA position 5269, C replaced by T.
Protein change: p.Gln1757Ter; replaces glutamine 1757 with a stop codon.
Molecular consequence: nonsense. On other transcripts: intron variant (2).
Genome position (GRCh38, 1-based): chr6:7,581,459, C>T. VCF-style: chr6-7581459-C-T. GRCh37 (hg19) VCF-style: chr6-7581692-C-T.
Other names: c.5269C>T (LRG_423t1); c.4051-1183C>T (NM_001319034.2); c.3583-1183C>T (NM_001008844.3); short protein forms Q1757*.
Identifiers: ClinVar variation 534275 (VCV000534275.11), dbSNP rs1554108477, ClinGen allele CA362688224.

ClinVar aggregate classification (germline): Pathogenic/Likely pathogenic. Review status: criteria provided, multiple submitters, no conflicts (2 of 4 stars). 4 submissions from 4 submitters: Pathogenic (1); Likely pathogenic (3). Last evaluated 2021-12-23.

Conditions:
Arrhythmogenic cardiomyopathy with wooly hair and keratoderma. Also called: PALMOPLANTAR KERATODERMA WITH LEFT VENTRICULAR CARDIOMYOPATHY AND WOOLLY HAIR; Carvajal syndrome; Dilated cardiomyopathy with woolly hair and keratoderma; Arrhythmogenic cardiomyopathy with woolly hair and keratoderma. Identifiers: Orphanet 65282, MedGen C1854063, MONDO:0011581, OMIM 605676.
Arrhythmogenic right ventricular dysplasia 8 (ARVD8). Also called: Arrhythmogenic Right Ventricular Dysplasia/Cardiomyopathy 8; ARRHYTHMOGENIC RIGHT VENTRICULAR DYSPLASIA, FAMILIAL, 8; ARRHYTHMOGENIC RIGHT VENTRICULAR CARDIOMYOPATHY 8. Identifiers: MedGen C1843896, MONDO:0011831, OMIM 607450.
Arrhythmogenic right ventricular dysplasia 9 (ARVD9). Also called: Arrhythmogenic Right Ventricular Dysplasia/Cardiomyopathy 9; ARRHYTHMOGENIC RIGHT VENTRICULAR DYSPLASIA, FAMILIAL, 9. Identifiers: MedGen C1836906, MONDO:0012180, OMIM 609040.
DSP-related disorder. Also called: DSP-related condition; DSP-related disorders.

Allele frequency attached by ClinVar (database versions not stated): gnomAD exomes below 0.00001.

Submissions (4):

Revvity Omics, Revvity
Classification: Likely pathogenic. Last evaluated: 2021-12-23. Review status: criteria provided, single submitter. Criteria: ACMG Guidelines, 2015. Collection method: clinical testing. Allele origin: germline.

Blueprint Genetics
Classification: Likely pathogenic for DSP-related disorders. Last evaluated: 2020-12-31. Review status: criteria provided, single submitter. Criteria: ACMG Guidelines, 2015. Collection method: clinical testing. Allele origin: germline. Affected: yes. Observed: 3 variant alleles.

Heart Center, Academic Medical Center Amsterdam
Classification: Likely pathogenic for Arrhythmogenic right ventricular dysplasia 9. Last evaluated: 2018-12-01. Review status: criteria provided, single submitter. Criteria: ACMG Guidelines, 2015. Collection method: research. Allele origin: unknown. Affected: yes.

Labcorp Genetics (formerly Invitae), Labcorp
Classification: Pathogenic for Arrhythmogenic cardiomyopathy with wooly hair and keratoderma; Arrhythmogenic right ventricular dysplasia 8. Last evaluated: 2018-02-06. Review status: criteria provided, single submitter. Criteria: Invitae Variant Classification Sherloc (09022015). Collection method: clinical testing. Allele origin: germline.
Comment: For these reasons, this variant has been classified as Pathogenic. Loss-of-function variants in DSP are known to be pathogenic (PMID: 20716751, 24503780, 25227139). This variant has not been reported in the literature in individuals with DSP-related disease. This variant is not present in population databases (ExAC no frequency). This sequence change creates a premature translational stop signal (p.Gln1757*) in the DSP gene. It is expected to result in an absent or disrupted protein product.

Literature cited by the submitters: PubMed 20716751 (cited by Labcorp Genetics (formerly Invitae), Labcorp); PubMed 24503780 (cited by Labcorp Genetics (formerly Invitae), Labcorp); PubMed 25227139 (cited by Labcorp Genetics (formerly Invitae), Labcorp).